The following is an entry in ClinVar:

ClinVar aggregate classification (germline): Uncertain significance (1 of 4 stars; one submission).

Conditions:
Familial cold autoinflammatory syndrome 3 (FCAS3). Also called: ANTIBODY DEFICIENCY AND IMMUNE DYSREGULATION, PLCG2-ASSOCIATED; FAMILIAL ATYPICAL COLD URTICARIA. Identifiers: Orphanet 300359, MedGen C3280914, MONDO:0013766, OMIM 614468.

Submission:

Labcorp Genetics (formerly Invitae), Labcorp
Classification: Uncertain significance for Familial cold autoinflammatory syndrome 3. Last evaluated: 2019-04-25. Review status: criteria provided, single submitter. Criteria: Invitae Variant Classification Sherloc (09022015). Collection method: clinical testing. Allele origin: germline.
Comment: This sequence change replaces threonine with lysine at codon 329 of the PLCG2 protein (p.Thr329Lys). The threonine residue is highly conserved and there is a moderate physicochemical difference between threonine and lysine. This variant is not present in population databases (ExAC no frequency). This variant has not been reported in the literature in individuals with PLCG2-related conditions. Algorithms developed to predict the effect of missense changes on protein structure and function (SIFT, PolyPhen-2, Align-GVGD) all suggest that this variant is likely to be disruptive, but these predictions have not been confirmed by published functional studies and their clinical significance is uncertain. Algorithms developed to predict the effect of sequence changes on RNA splicing suggest that this variant may create or strengthen a splice site, but this prediction has not been confirmed by published transcriptional studies. In summary, the available evidence is currently insufficient to determine the role of this variant in disease. Therefore, it has been classified as a Variant of Uncertain Significance.

NM_002661.5(PLCG2):c.986C>A (p.Thr329Lys)

Gene: PLCG2 (phospholipase C gamma 2; plus strand). Cytogenetic location: 16q23.3.
Variant type: single nucleotide variant.
Coding change: c.986C>A on transcript NM_002661.5 (MANE Select); coding-DNA position 986, C replaced by A.
Protein change: p.Thr329Lys; replaces threonine 329 with lysine.
Molecular consequence: missense variant.
Genome position (GRCh38, 1-based): chr16:81,891,590, C>A. VCF-style: chr16-81891590-C-A. GRCh37 (hg19) VCF-style: chr16-81925195-C-A.
Other names: short protein forms T329K.
Identifiers: ClinVar variation 864572 (VCV000864572.9), dbSNP rs1908637761, ClinGen allele CA396898145.